The following is an entry in ClinVar:

NM_002439.5(MSH3):c.2347C>A (p.Pro783Thr)

Gene: MSH3 (mutS homolog 3; plus strand). Cytogenetic location: 5q14.1.
Variant type: single nucleotide variant.
Coding change: c.2347C>A on transcript NM_002439.5 (MANE Select); coding-DNA position 2347, C replaced by A.
Protein change: p.Pro783Thr; replaces proline 783 with threonine.
Molecular consequence: missense variant.
Genome position (GRCh38, 1-based): chr5:80,778,748, C>A. VCF-style: chr5-80778748-C-A. GRCh37 (hg19) VCF-style: chr5-80074567-C-A.
Other names: short protein forms P783T.
Identifiers: ClinVar variation 653603 (VCV000653603.12), dbSNP rs778848549, ClinGen allele CA121328125.
Genomic context (GRCh38, chr5:80,778,748, plus strand): 5'-ATTTCCTATTTGTGTTCTTTCCCCTCTTCTAGCACAAAAGCTGTGAGCCGCTTTCACTCT[C>A]CTTTTATTGTAGAAAATTACAGACATCTGAATCAGCTCCGGGAGCAGCTAGTCCTTGACT-3'
Protein context (NP_002430.3, residues 773-793): STKAVSRFHS[Pro783Thr]FIVENYRHLN

ClinVar aggregate classification (germline): Uncertain significance. Review status: criteria provided, multiple submitters, no conflicts (2 of 4 stars). 3 submissions from 3 submitters: Uncertain significance (3). Last evaluated 2025-08-14.

Conditions:
Hereditary cancer-predisposing syndrome. Also called: Neoplastic Syndromes, Hereditary; Tumor predisposition; Hereditary Cancer Syndrome; Hereditary neoplastic syndrome. Identifiers: Orphanet 140162, MedGen C0027672, MeSH D009386, MONDO:0015356.

Allele frequency attached by ClinVar (database versions not stated): TOPMed below 0.00001.
gnomAD v4.1: 7 of 1,612,286 alleles (0.00043%); highest among the groups gnomAD compares: Non-Finnish European, 0.00059%; no homozygotes.

Submissions (3):

Ambry Genetics
Classification: Uncertain significance for Hereditary cancer-predisposing syndrome. Last evaluated: 2025-08-14. Review status: criteria provided, single submitter. Criteria: Ambry Variant Classification Scheme 2023. Collection method: clinical testing. Allele origin: germline.

Labcorp Genetics (formerly Invitae), Labcorp
Classification: Uncertain significance. Last evaluated: 2024-11-12. Review status: criteria provided, single submitter. Criteria: Invitae Variant Classification Sherloc (09022015). Collection method: clinical testing. Allele origin: germline.
Comment: This sequence change replaces proline, which is neutral and non-polar, with threonine, which is neutral and polar, at codon 783 of the MSH3 protein (p.Pro783Thr). This variant is not present in population databases (gnomAD no frequency). This variant has not been reported in the literature in individuals affected with MSH3-related conditions. ClinVar contains an entry for this variant (Variation ID: 653603). An algorithm developed to predict the effect of missense changes on protein structure and function (PolyPhen-2) suggests that this variant is likely to be disruptive. In summary, the available evidence is currently insufficient to determine the role of this variant in disease. Therefore, it has been classified as a Variant of Uncertain Significance.

GeneDx
Classification: Uncertain significance. Last evaluated: 2022-08-31. Review status: criteria provided, single submitter. Criteria: GeneDx Variant Classification Process June 2021. Collection method: clinical testing. Allele origin: germline. Affected: yes.
Comment: Not observed at significant frequency in large population cohorts (gnomAD); In silico analysis supports that this missense variant has a deleterious effect on protein structure/function; Has not been previously published as pathogenic or benign to our knowledge